The following is an entry in ClinVar:

NM_001379286.1(ZNF423):c.916A>T (p.Ile306Phe)

Gene: ZNF423 (zinc finger protein 423; minus strand). Cytogenetic location: 16q12.1.
Variant type: single nucleotide variant.
Coding change: c.916A>T on transcript NM_001379286.1 (MANE Select); coding-DNA position 916, A replaced by T.
Protein change: p.Ile306Phe; replaces isoleucine 306 with phenylalanine.
Molecular consequence: missense variant.
Genome position (GRCh38, 1-based): chr16:49,638,260, T>A on the plus strand (A>T on the coding strand, the complement: ZNF423 is on the minus strand). VCF-style: chr16-49638260-T-A. GRCh37 (hg19) VCF-style: chr16-49672171-T-A.
Other names: c.712A>T, p.Ile238Phe (NM_001271620.2); c.541A>T, p.Ile181Phe (NM_001330533.2); c.892A>T, p.Ile298Phe (NM_015069.5); c.892A>T (NM_015069.4); short protein forms I181F, I298F, I306F, I238F.
Identifiers: ClinVar variation 2058777 (VCV002058777.5), dbSNP rs779449144, ClinGen allele CA8046788.

ClinVar aggregate classification (germline): Uncertain significance. Review status: criteria provided, multiple submitters, no conflicts (2 of 4 stars). 2 submissions from 2 submitters: Uncertain significance (2). Last evaluated 2026-05-28.

Conditions:
ZNF423-related disorder. Also called: ZNF423-related condition.
Nephronophthisis 14 (NPHP14). Identifiers: Orphanet 2318, MedGen C3539071, MONDO:0013916, OMIM 614844.

Allele frequency attached by ClinVar (database versions not stated): gnomAD 0.00002.

Submissions (2):

PreventionGenetics, part of Exact Sciences
Classification: Uncertain significance for ZNF423-related condition. Last evaluated: 2026-05-28. Review status: criteria provided, single submitter. Criteria: ACMG Guidelines, 2015. Collection method: clinical testing. Allele origin: germline.
Comment: The ZNF423 c.892A>T variant is predicted to result in the amino acid substitution p.Ile298Phe. To our knowledge, this variant has not been reported in the literature. This variant is reported in 0.030% of alleles in individuals of Ashkenazi Jewish descent in gnomAD. At this time, the clinical significance of this variant is uncertain due to the absence of conclusive functional and genetic evidence.

Labcorp Genetics (formerly Invitae), Labcorp
Classification: Uncertain significance for Nephronophthisis 14. Last evaluated: 2025-03-17. Review status: criteria provided, single submitter. Criteria: Invitae Variant Classification Sherloc (09022015). Collection method: clinical testing. Allele origin: germline.
Comment: This sequence change replaces isoleucine, which is neutral and non-polar, with phenylalanine, which is neutral and non-polar, at codon 298 of the ZNF423 protein (p.Ile298Phe). This variant is present in population databases (rs779449144, gnomAD 0.04%). This variant has not been reported in the literature in individuals affected with ZNF423-related conditions. ClinVar contains an entry for this variant (Variation ID: 2058777). Invitae Evidence Modeling of protein sequence and biophysical properties (such as structural, functional, and spatial information, amino acid conservation, physicochemical variation, residue mobility, and thermodynamic stability) indicates that this missense variant is not expected to disrupt ZNF423 protein function with a negative predictive value of 80%. In summary, the available evidence is currently insufficient to determine the role of this variant in disease. Therefore, it has been classified as a Variant of Uncertain Significance.